The following is an entry in ClinVar:

ClinVar aggregate classification (germline): Pathogenic/Likely pathogenic. Review status: criteria provided, multiple submitters, no conflicts (2 of 4 stars). 11 submissions from 11 submitters: Pathogenic (5); Likely pathogenic (5). 1 of the submissions does not count toward it. Last evaluated 2025-12-29.

Conditions:
PMS2-related disorder. Also called: PMS2-related condition.
Lynch syndrome 4 (LYNCH4). Also called: Colorectal cancer, hereditary nonpolyposis, type 4; Hereditary non-polyposis colorectal cancer, type 4. Identifiers: Orphanet 144, MedGen C1838333, MONDO:0013699, OMIM 614337. Disease mechanism: loss of function.
Mismatch repair cancer syndrome 4. Identifiers: MedGen C5436817, MONDO:0030843, OMIM 619101.
Hereditary nonpolyposis colorectal neoplasms. Identifiers: MedGen C0009405, MeSH D003123.
Hereditary cancer-predisposing syndrome. Also called: Neoplastic Syndromes, Hereditary; Hereditary Cancer Syndrome; Tumor predisposition; Hereditary neoplastic syndrome. Identifiers: Orphanet 140162, MedGen C0027672, MeSH D009386, MONDO:0015356.

Submissions (11):

Center for Genomic Medicine, Rigshospitalet, Copenhagen University Hospital
Classification: Pathogenic. Last evaluated: 2025-12-29. Review status: criteria provided, single submitter. Criteria: ACMG Guidelines, 2015. Collection method: clinical testing. Allele origin: germline.
Comment: Classification criteria: PVS1, PM2_Supporting, PP4_supporting

Ambry Genetics
Classification: Pathogenic for Hereditary cancer-predisposing syndrome. Last evaluated: 2025-01-13. Review status: criteria provided, single submitter. Criteria: Ambry Variant Classification Scheme 2023. Collection method: clinical testing. Allele origin: germline.
Comment: The c.904-2A>G intronic pathogenic mutation results from an A to G substitution two nucleotides before coding exon 9 of the PMS2 gene. This alteration has been reported in an individual whose colorectal tumor demonstrated high microsatellite instability and family history met Amsterdam criteria (Rohlin A et al. Fam Cancer, 2017 04;16:195-203). In silico splice site analysis predicts that this alteration will weaken the native splice acceptor site and will result in the creation or strengthening of a novel splice acceptor site. RNA studies have demonstrated that this alteration results in abnormal splicing in the set of samples tested (Ambry internal data). In addition to the clinical data presented in the literature, alterations that disrupt the canonical splice site are expected to cause aberrant splicing, resulting in an abnormal protein or a transcript that is subject to nonsense-mediated mRNA decay. As such, this alteration is classified as a disease-causing mutation.

Labcorp Genetics (formerly Invitae), Labcorp
Classification: Likely pathogenic for Hereditary nonpolyposis colorectal neoplasms. Last evaluated: 2024-11-05. Review status: criteria provided, single submitter. Criteria: Invitae Variant Classification Sherloc (09022015). Collection method: clinical testing. Allele origin: germline.
Comment: This sequence change affects an acceptor splice site in intron 8 of the PMS2 gene. It is expected to disrupt RNA splicing. Variants that disrupt the donor or acceptor splice site typically lead to a loss of protein function (PMID: 16199547), and loss-of-function variants in PMS2 are known to be pathogenic (PMID: 21376568, 24362816). This variant is not present in population databases (gnomAD no frequency). Disruption of this splice site has been observed in individual(s) with clinical features consistent with Lynch syndrome (PMID: 25117502, 27696107, 28514183, 28888541). ClinVar contains an entry for this variant (Variation ID: 140880). Algorithms developed to predict the effect of sequence changes on RNA splicing suggest that this variant may disrupt the consensus splice site. In summary, the currently available evidence indicates that the variant is pathogenic, but additional data are needed to prove that conclusively. Therefore, this variant has been classified as Likely Pathogenic.

Revvity Omics, Revvity
Classification: Pathogenic. Last evaluated: 2024-07-04. Review status: criteria provided, single submitter. Criteria: ACMG Guidelines, 2015. Collection method: clinical testing. Allele origin: germline.

Clinical Genetics Laboratory, Skane University Hospital Lund
Classification: Likely pathogenic. Last evaluated: 2024-03-06. Review status: criteria provided, single submitter. Criteria: ACMG Guidelines, 2015. Collection method: clinical testing. Allele origin: germline. Affected: yes.

Blueprint Genetics
Classification: Pathogenic for PMS2-related disorders. Last evaluated: 2024-02-21. Review status: criteria provided, single submitter. Criteria: ACMG Guidelines, 2015. Collection method: clinical testing. Allele origin: germline. Affected: yes. Observed: 1 variant allele.

Myriad Genetics, Inc.
Classification: Likely pathogenic for Lynch syndrome 4. Last evaluated: 2023-04-04. Review status: criteria provided, single submitter. Criteria: Myriad Autosomal Dominant, Autosomal Recessive and X-Linked Classification Criteria (2023). Collection method: clinical testing. Allele origin: unknown.
Comment: This variant is considered likely pathogenic. This variant occurs within a consensus splice junction and is predicted to result in abnormal mRNA splicing of either an out-of-frame exon or an in-frame exon necessary for protein stability and/or normal function.

Fulgent Genetics
Classification: Likely pathogenic for Lynch syndrome 4; Mismatch repair cancer syndrome 4. Last evaluated: 2021-11-24. Review status: criteria provided, single submitter. Criteria: ACMG Guidelines, 2015. Collection method: clinical testing. Allele origin: unknown.

Color Diagnostics, LLC DBA Color Health
Classification: Likely pathogenic for Hereditary cancer-predisposing syndrome. Last evaluated: 2021-11-15. Review status: criteria provided, single submitter. Criteria: ACMG Guidelines, 2015. Collection method: clinical testing. Allele origin: germline.
Comment: This variant causes an A to G nucleotide substitution at the -2 position of intron 8 of the PMS2 gene. Splice site prediction tools predict that this variant may have a significant impact on RNA splicing. Although functional studies have not been reported for this variant, it is expected to result in an absent or non-functional protein product. This variant has been reported in individuals affected with Lynch syndrome-associated cancers (PMID: 24763289, 25117502, 27696107, 28514183). This variant has not been identified in the general population by the Genome Aggregation Database (gnomAD). Loss of PMS2 function is a known mechanism of disease. Based on the available evidence, this variant is classified as Likely Pathogenic.

Baylor Genetics
Classification: Pathogenic for Lynch syndrome 4. Last evaluated: 2021-10-07. Review status: criteria provided, single submitter. Criteria: ACMG Guidelines, 2015. Collection method: clinical testing. Allele origin: unknown.

Counsyl
Classification: Likely pathogenic for Lynch syndrome 4. Last evaluated: 2017-02-14. Review status: no assertion criteria provided. Collection method: clinical testing. Allele origin: unknown. Not counted in ClinVar's aggregate classification.

Literature cited by the submitters: PubMed 25117502 (cited by 4 submitters); PubMed 27696107 (cited by 5 submitters); PubMed 28888541 (cited by Center for Genomic Medicine, Rigshospitalet, Copenhagen University Hospital and Labcorp Genetics (formerly Invitae), Labcorp); PubMed 16199547 (cited by Labcorp Genetics (formerly Invitae), Labcorp); PubMed 21376568 (cited by Labcorp Genetics (formerly Invitae), Labcorp); PubMed 24362816 (cited by Labcorp Genetics (formerly Invitae), Labcorp); PubMed 28514183 (cited by Labcorp Genetics (formerly Invitae), Labcorp and Color Diagnostics, LLC DBA Color Health); PubMed 24763289 (cited by Color Diagnostics, LLC DBA Color Health and Counsyl).

NM_000535.7(PMS2):c.904-2A>G

Gene: PMS2 (PMS1 homolog 2, mismatch repair system component; minus strand). Cytogenetic location: 7p22.1.
Variant type: single nucleotide variant.
Coding change: c.904-2A>G on transcript NM_000535.7 (MANE Select); the canonical splice acceptor site of the intron before coding-DNA position 904, A replaced by G.
Molecular consequence: splice acceptor variant. On other transcripts: intron variant (1).
Genome position (GRCh38, 1-based): chr7:5,992,059, T>C on the plus strand (A>G on the coding strand, the complement: PMS2 is on the minus strand). VCF-style: chr7-5992059-T-C. GRCh37 (hg19) VCF-style: chr7-6031690-T-C.
Other names: c.586-2A>G (NM_001322008.2, NM_001406902.1, NM_001406883.1 and 4 more transcripts); c.595-2A>G (NM_001406881.1, NM_001406879.1, NM_001322015.2 and 6 more transcripts); c.499-2A>G (NM_001406895.1, NM_001322010.2, NM_001322004.2 and 19 more transcripts); c.133-2A>G (NM_001406911.1); c.391-2A>G (NM_001406904.1, NM_001406905.1); c.331-2A>G (NM_001322013.2, NM_001406909.1); c.-30-2A>G (NM_001322012.2, NM_001322011.2); c.568-2A>G (NM_001406885.1); and 8 more.
Identifiers: ClinVar variation 140880 (VCV000140880.37), dbSNP rs587781339, ClinGen allele CA013226.